The following is an entry in ClinVar:

NM_022436.3(ABCG5):c.1707A>C (p.Lys569Asn)

Genes: ABCG5 (ATP binding cassette subfamily G member 5; minus strand), DYNC2LI1 (dynein cytoplasmic 2 light intermediate chain 1; plus strand). Cytogenetic location: 2p21.
Variant type: single nucleotide variant.
Coding change: c.1707A>C on transcript NM_022436.3 (MANE Select); coding-DNA position 1707, A replaced by C.
Protein change: p.Lys569Asn; replaces lysine 569 with asparagine.
Molecular consequence: missense variant. On other transcripts: intron variant (2).
Genome position (GRCh38, 1-based): chr2:43,814,532, T>G on the plus strand (A>C on the coding strand, the complement: ABCG5 is on the minus strand). VCF-style: chr2-43814532-T-G. GRCh37 (hg19) VCF-style: chr2-44041671-T-G.
Other names: c.*15+4008T>G (NM_001348913.2, NM_001348912.2); short protein forms K569N.
Identifiers: ClinVar variation 598390 (VCV000598390.11), dbSNP rs776001498, ClinGen allele CA1636189.

ClinVar aggregate classification (germline): Uncertain significance. Review status: criteria provided, multiple submitters, no conflicts (2 of 4 stars). 2 submissions from 2 submitters: Uncertain significance (2). Last evaluated 2025-01-10.

Conditions:
Cardiovascular phenotype. Identifiers: MedGen CN230736.

Allele frequency attached by ClinVar (database versions not stated): gnomAD exomes below 0.00001; ExAC 0.00001.
gnomAD v4.1: 1 of 1,610,054 alleles (0.000062%); highest among the groups gnomAD compares: African/African-American, 0.0013%; no homozygotes.

Submissions (2):

Ambry Genetics
Classification: Uncertain significance for Cardiovascular phenotype. Last evaluated: 2025-01-10. Review status: criteria provided, single submitter. Criteria: Ambry Variant Classification Scheme 2023. Collection method: clinical testing. Allele origin: germline.
Comment: The p.K569N variant (also known as c.1707A>C), located in coding exon 12 of the ABCG5 gene, results from an A to C substitution at nucleotide position 1707. The lysine at codon 569 is replaced by asparagine, an amino acid with similar properties. This amino acid position is conserved. In addition, this alteration is predicted to be tolerated by in silico analysis. Based on the available evidence, the clinical significance of this variant remains unclear.

Eurofins Ntd Llc (ga)
Classification: Uncertain significance. Last evaluated: 2018-08-14. Review status: criteria provided, single submitter. Criteria: EGL ClinVar v180209 classification definitions. Collection method: clinical testing. Allele origin: germline. Observed: 1 variant allele, 1 heterozygote.